The following is an entry in ClinVar:

ClinVar aggregate classification (germline): Likely pathogenic (1 of 4 stars; one submission).

Conditions:
Deficiency of steroid 11-beta-monooxygenase (CYP11B1). Also called: P450C11B1 DEFICIENCY; STEROID 11-BETA-HYDROXYLASE DEFICIENCY; Congenital adrenal hyperplasia due to 11-beta-hydroxylase deficiency; ADRENAL HYPERPLASIA, CONGENITAL, DUE TO STEROID 11-BETA-HYDROXYLASE DEFICIENCY; 11-BETA-HYDROXYLASE DEFICIENCY; ADRENAL HYPERPLASIA IV. Identifiers: Orphanet 90795, MedGen C0268292, MONDO:0008729, OMIM 202010. Disease mechanism: loss of function.

Submission:

Myriad Genetics, Inc.
Classification: Likely pathogenic for Deficiency of steroid 11-beta-monooxygenase. Last evaluated: 2022-05-18. Review status: criteria provided, single submitter. Criteria: Myriad Women's Health Autosomal Recessive and X-Linked Classification Criteria (2021). Collection method: clinical testing. Allele origin: unknown.
Comment: NM_000497.3(CYP11B1):c.947dupT(D317Gfs*13) is expected to be pathogenic in the context of congenital adrenal hyperplasia, CYP11B1-related. This variant is predicted to lead to an abnormal or absent protein product due to the creation of a premature termination codon in CYP11B1, a gene where loss-of-function variants are known to be pathogenic. Please note: this variant was assessed in the context of healthy population screening.

NM_000497.4(CYP11B1):c.947dup (p.Asp317fs)

Genes: CYP11B1 (cytochrome P450 family 11 subfamily B member 1; minus strand), LOC106799833 (CYP11B1 recombination region; plus strand). Cytogenetic location: 8q24.3.
Variant type: Duplication.
Coding change: c.947dup on transcript NM_000497.4 (MANE Select); coding-DNA position 947, one base duplicated (T; older notation c.947dupT).
Protein change: p.Asp317fs; shifts the reading frame from aspartic acid 317.
Molecular consequence: frameshift variant.
Genome position (GRCh38, 1-based): chr8:142,876,248, A duplicated on the plus strand (T on the coding strand, the reverse complement: CYP11B1 is on the minus strand). VCF-style (leftmost placement, unchanged base first): chr8-142876247-C-CA. GRCh37 (hg19) VCF-style: chr8-143957663-C-CA.
Other names: c.947dup, p.Asp317fs (NM_001026213.1); short protein forms D317fs.
Identifiers: ClinVar variation 1726111 (VCV001726111.2), dbSNP rs2488677344, ClinGen allele CA2580078650.